The following is an entry in ClinVar:

ClinVar aggregate classification (germline): Pathogenic (1 of 4 stars; one submission).

Submission:

Ambry Genetics
Classification: Pathogenic. Last evaluated: 2026-05-29. Review status: criteria provided, single submitter. Criteria: Ambry Variant Classification Scheme 2023. Collection method: clinical testing. Allele origin: germline.
Comment: The c.3023dupC pathogenic mutation, located in coding exon 1 of the MLH3 gene, results from a duplication of C at nucleotide position 3023, causing a translational frameshift with a predicted alternate stop codon (p.V1009Gfs*7). This variant is considered to be rare based on population cohorts in the Genome Aggregation Database (gnomAD). This alteration is expected to result in loss of function by premature protein truncation or nonsense-mediated mRNA decay. As such, this alteration is interpreted as a disease-causing mutation.

NM_001040108.2(MLH3):c.3023dup (p.Val1009fs)

Gene: MLH3 (mutL homolog 3; minus strand). Cytogenetic location: 14q24.3.
Variant type: Duplication.
Coding change: c.3023dup on transcript NM_001040108.2 (MANE Select); coding-DNA position 3023, one base duplicated (C; older notation c.3023dupC).
Protein change: p.Val1009fs; shifts the reading frame from valine 1009.
Molecular consequence: frameshift variant.
Genome position (GRCh38, 1-based): chr14:75,046,633, G duplicated on the plus strand (C on the coding strand, the reverse complement: MLH3 is on the minus strand); the first of 2 consecutive G bases (chr14:75,046,633-75,046,634); duplicating either gives the same sequence. VCF-style (leftmost placement, unchanged base first): chr14-75046632-C-CG. GRCh37 (hg19) VCF-style: chr14-75513335-C-CG.
Other names: c.3023dupC (NM_001040108.1); c.3023dup, p.Val1009fs (NM_014381.3); short protein forms V1009fs.
Identifiers: ClinVar variation 4844367 (VCV004844367.2).